The following is an entry in ClinVar:

ClinVar aggregate classification (germline): Uncertain significance (1 of 4 stars; one submission).

Conditions:
Werner syndrome (WRN). Identifiers: Orphanet 902, MedGen C0043119, MONDO:0010196, OMIM 277700.

Allele frequency attached by ClinVar (database versions not stated): gnomAD exomes below 0.00001.
gnomAD v4.1: 1 of 1,614,084 alleles (0.000062%); highest among the groups gnomAD compares: Non-Finnish European, 0.000085%; no homozygotes.

Submission:

Labcorp Genetics (formerly Invitae), Labcorp
Classification: Uncertain significance for Werner syndrome. Last evaluated: 2023-03-07. Review status: criteria provided, single submitter. Criteria: Invitae Variant Classification Sherloc (09022015). Collection method: clinical testing. Allele origin: germline.
Comment: In summary, the available evidence is currently insufficient to determine the role of this variant in disease. Therefore, it has been classified as a Variant of Uncertain Significance. An algorithm developed to predict the effect of missense changes on protein structure and function (PolyPhen-2) suggests that this variant is likely to be disruptive. ClinVar contains an entry for this variant (Variation ID: 1004629). This variant has not been reported in the literature in individuals affected with WRN-related conditions. This variant is not present in population databases (gnomAD no frequency). This sequence change replaces histidine, which is basic and polar, with glutamine, which is neutral and polar, at codon 1001 of the WRN protein (p.His1001Gln).

NM_000553.6(WRN):c.3003C>G (p.His1001Gln)

Gene: WRN (WRN RecQ like helicase; plus strand). Cytogenetic location: 8p12.
Variant type: single nucleotide variant.
Coding change: c.3003C>G on transcript NM_000553.6 (MANE Select); coding-DNA position 3003, C replaced by G.
Protein change: p.His1001Gln; replaces histidine 1001 with glutamine.
Molecular consequence: missense variant.
Genome position (GRCh38, 1-based): chr8:31,141,465, C>G. VCF-style: chr8-31141465-C-G. GRCh37 (hg19) VCF-style: chr8-30998981-C-G.
Other names: short protein forms H1001Q.
Identifiers: ClinVar variation 1004629 (VCV001004629.5), dbSNP rs1802626328, ClinGen allele CA370921795.
Genomic context (GRCh38, chr8:31,141,465, plus strand): 5'-ATACTGATTTTATTCCTAATTTCAGAATTCTCAGCGTCTTGCCGATCAATATCGCAGGCA[C>G]AGTTTATTTGGCACTGGCAAGGATCAAACAGAGAGTTGGTGGAAGGCTTTTTCCCGTCAG-3'
Protein context (NP_000544.2, residues 991-1011): SQRLADQYRR[His1001Gln]SLFGTGKDQT